The following is an entry in ClinVar:

NM_006258.4(PRKG1):c.199A>T (p.Thr67Ser)

Gene: PRKG1 (protein kinase cGMP-dependent 1; plus strand). Cytogenetic location: 10q11.23.
Variant type: single nucleotide variant.
Coding change: c.199A>T on transcript NM_006258.4 (MANE Select); coding-DNA position 199, A replaced by T.
Protein change: p.Thr67Ser; replaces threonine 67 with serine.
Molecular consequence: missense variant. On other transcripts: intron variant (1).
Genome position (GRCh38, 1-based): chr10:51,074,789, A>T. VCF-style: chr10-51074789-A-T. GRCh37 (hg19) VCF-style: chr10-52834549-A-T.
Other names: c.199A>T, p.Thr67Ser (NM_001374782.1); c.267-78375A>T (NM_001098512.3); short protein forms T67S.
Identifiers: ClinVar variation 3639768 (VCV003639768.2).

ClinVar aggregate classification (germline): Uncertain significance (1 of 4 stars; one submission).

Conditions:
Aortic aneurysm, familial thoracic 8 (AAT8). Identifiers: MedGen C3809513, MONDO:0014187, OMIM 615436.

gnomAD v4.1: 1 of 1,613,836 alleles (0.000062%); highest among the groups gnomAD compares: Admixed American, 0.0017%; no homozygotes.

Submission:

Labcorp Genetics (formerly Invitae), Labcorp
Classification: Uncertain significance for Aortic aneurysm, familial thoracic 8. Last evaluated: 2024-02-08. Review status: criteria provided, single submitter. Criteria: Invitae Variant Classification Sherloc (09022015). Collection method: clinical testing. Allele origin: germline.
Comment: This sequence change replaces threonine, which is neutral and polar, with serine, which is neutral and polar, at codon 67 of the PRKG1 protein (p.Thr67Ser). This variant is present in population databases (no rsID available, gnomAD 0.003%). This variant has not been reported in the literature in individuals affected with PRKG1-related conditions. An algorithm developed to predict the effect of missense changes on protein structure and function (PolyPhen-2) suggests that this variant is likely to be tolerated. In summary, the available evidence is currently insufficient to determine the role of this variant in disease. Therefore, it has been classified as a Variant of Uncertain Significance.